The following is an entry in ClinVar:

ClinVar aggregate classification (germline): Likely pathogenic (1 of 4 stars; one submission).

Submission:

GeneDx
Classification: Likely pathogenic. Last evaluated: 2020-09-15. Review status: criteria provided, single submitter. Criteria: GeneDx Variant Classification Process June 2021. Collection method: clinical testing. Allele origin: germline. Affected: yes.
Comment: Canonical splice site variant expected to result in aberrant splicing, although in the absence of functional evidence the actual effect of this sequence change is unknown.; Not observed in large population cohorts (Lek et al., 2016); Has not been previously published as pathogenic or benign to our knowledge

NM_004187.5(KDM5C):c.4038+1G>A

Gene: KDM5C (lysine demethylase 5C; minus strand). Cytogenetic location: Xp11.22.
Variant type: single nucleotide variant.
Coding change: c.4038+1G>A on transcript NM_004187.5 (MANE Select); the canonical splice donor site of the intron after coding-DNA position 4038, G replaced by A.
Molecular consequence: splice donor variant.
Genome position (GRCh38, 1-based): chrX:53,194,138, C>T on the plus strand (G>A on the coding strand, the complement: KDM5C is on the minus strand). VCF-style: chrX-53194138-C-T. GRCh37 (hg19) VCF-style: chrX-53223320-C-T.
Other names: c.4035+1G>A (NM_001353982.2, NM_001353979.2, NM_001282622.3); c.4038+1G>A (NM_001353981.2, NM_001353984.2, NM_001353978.3); c.3837+1G>A (NM_001146702.2).
Identifiers: ClinVar variation 1209082 (VCV001209082.3), dbSNP rs2146819027, ClinGen allele CA413105681.